The following is an entry in ClinVar:

NM_002386.4(MC1R):c.515G>T (p.Ser172Ile)

Gene: MC1R (melanocortin 1 receptor; plus strand). Cytogenetic location: 16q24.3.
Variant type: single nucleotide variant.
Coding change: c.515G>T on transcript NM_002386.4 (MANE Select); coding-DNA position 515, G replaced by T.
Protein change: p.Ser172Ile; replaces serine 172 with isoleucine.
Molecular consequence: missense variant.
Genome position (GRCh38, 1-based): chr16:89,919,773, G>T. VCF-style: chr16-89919773-G-T. GRCh37 (hg19) VCF-style: chr16-89986181-G-T.
Other names: short protein forms S172I.
Identifiers: ClinVar variation 321430 (VCV000321430.17), dbSNP rs376670171, ClinGen allele CA8255637.

ClinVar aggregate classification (germline): Conflicting classifications of pathogenicity. Review status: criteria provided, conflicting classifications (1 of 4 stars). 5 submissions from 5 submitters: Uncertain significance (1); Benign (1); Likely benign (1). 2 of the submissions do not count toward it. Last evaluated 2026-01-08.

Conditions:
Skin and Hair Hypopigmentation.
Melanoma, cutaneous malignant, susceptibility to, 5. Also called: Cutaneous malignant melanoma 5. Identifiers: Orphanet 618, MedGen C2751295, MONDO:0013133, OMIM 613099.
Tyrosinase-positive oculocutaneous albinism (OCA2). Also called: Oculocutaneous albinism type 2; Albinism, oculocutaneous, type II; ALBINISM II. Identifiers: Orphanet 79432, MedGen C0268495, MONDO:0008746, OMIM 203200.

Allele frequency attached by ClinVar (database versions not stated): ESP Exome Variant Server 0.00008; TOPMed 0.00010; gnomAD 0.00011 and 0.00023; 1000 Genomes Project 30x 0.00047; 1000 Genomes Project 0.00060; gnomAD exomes 0.00068; ExAC 0.00075.

Submissions (5):

Labcorp Genetics (formerly Invitae), Labcorp
Classification: Benign for Melanoma, cutaneous malignant, susceptibility to, 5. Last evaluated: 2026-01-08. Review status: criteria provided, single submitter. Criteria: Invitae Variant Classification Sherloc (09022015). Collection method: clinical testing. Allele origin: germline.

3billion
Classification: Uncertain significance for Tyrosinase-positive oculocutaneous albinism. Last evaluated: 2022-05-22. Review status: criteria provided, single submitter. Criteria: ACMG Guidelines, 2015. Collection method: clinical testing. Allele origin: germline. Affected: yes. Observed: 1 heterozygote.
Comment: The variant is observed as homozygous in at least two unrelated individuals/adults in the gnomAD v.2.1.1 dataset and therefore considered benign. Same nucleotide change resulting in same amino acid change has been previously reported to be associated with MC1R- related disorder (ClinVar ID: VCV000321430). However, the evidence of pathogenicity is insufficient at this time with conflicting interpretations of pathogenicity. Therefore, this variant is classified as uncertain significanceaccording to the recommendation of ACMG/AMP guideline.

Department of Pathology and Laboratory Medicine, Sinai Health System
Classification: Likely benign for Tyrosinase-positive oculocutaneous albinism. Last evaluated: 2020-09-01. Review status: criteria provided, single submitter. Criteria: ACMG Guidelines, 2015. Collection method: research. Allele origin: germline.

University of Washington Center for Mendelian Genomics, University of Washington
Classification: Likely pathogenic for Skin and Hair Hypopigmentation. Last evaluated: 2015-09-22. Review status: no assertion criteria provided. Collection method: research. Allele origin: unknown. Affected: yes. Not counted in ClinVar's aggregate classification.

Yale Center for Mendelian Genomics, Yale University
Classification: Likely pathogenic for Tyrosinase-positive oculocutaneous albinism. Last evaluated: 2015-09-22. Review status: no assertion criteria provided. Collection method: literature only. Allele origin: germline. Affected: yes. Observed: 3 homozygotes. Not counted in ClinVar's aggregate classification.

Literature cited by the submitters: PubMed 26197705 (cited by University of Washington Center for Mendelian Genomics, University of Washington and Yale Center for Mendelian Genomics, Yale University).